The following is an entry in ClinVar:

NM_006180.6(NTRK2):c.740A>C (p.Gln247Pro)

Gene: NTRK2 (neurotrophic receptor tyrosine kinase 2; plus strand). Cytogenetic location: 9q21.33.
Variant type: single nucleotide variant.
Coding change: c.740A>C on transcript NM_006180.6 (MANE Select); coding-DNA position 740, A replaced by C.
Protein change: p.Gln247Pro; replaces glutamine 247 with proline.
Molecular consequence: missense variant.
Genome position (GRCh38, 1-based): chr9:84,724,243, A>C. VCF-style: chr9-84724243-A-C. GRCh37 (hg19) VCF-style: chr9-87339158-A-C.
Other names: c.740A>C, p.Gln247Pro (NM_001007097.3, NM_001018064.3, NM_001018065.2 and 18 more transcripts); c.272A>C, p.Gln91Pro (NM_001369535.1, NM_001369536.1, NM_001369550.1 and 2 more transcripts); short protein forms Q247P, Q91P.
Identifiers: ClinVar variation 3346528 (VCV003346528.1).

ClinVar aggregate classification (germline): Uncertain significance (0 of 4 stars; one submission).

Conditions:
NTRK2-related disorder. Also called: NTRK2-related condition.

Submission:

PreventionGenetics, part of Exact Sciences
Classification: Uncertain significance for NTRK2-related condition. Last evaluated: 2024-09-13. Review status: no assertion criteria provided. Collection method: clinical testing. Allele origin: germline.
Comment: The NTRK2 c.740A>C variant is predicted to result in the amino acid substitution p.Gln247Pro. To our knowledge, this variant has not been reported in the literature or in a large population database, indicating this variant is rare. At this time, the clinical significance of this variant is uncertain due to the absence of conclusive functional and genetic evidence.